The following is an entry in ClinVar:

ClinVar aggregate classification (germline): Likely benign. Review status: criteria provided, multiple submitters, no conflicts (2 of 4 stars). 3 submissions from 3 submitters: Likely benign (3). Last evaluated 2025-09-01.

Allele frequency attached by ClinVar (database versions not stated): 1000 Genomes Project 30x 0.00016; 1000 Genomes Project 0.00020; TOPMed 0.00027; gnomAD 0.00029; ExAC 0.00038; ESP Exome Variant Server 0.00038; gnomAD exomes 0.00039.
gnomAD v4.1: 744 of 1,614,128 alleles (0.046%); highest among the groups gnomAD compares: Non-Finnish European, 0.061%; 1 homozygote.

Submissions (3):

CeGaT Center for Human Genetics Tuebingen
Classification: Likely benign. Last evaluated: 2025-09-01. Review status: criteria provided, single submitter. Criteria: CeGaT Center For Human Genetics Tuebingen Variant Classification Criteria Version 2. Collection method: clinical testing. Allele origin: germline. Affected: yes. Observed: 2 variant alleles.
Comment: CIT: BP4, BP7

Labcorp Genetics (formerly Invitae), Labcorp
Classification: Likely benign. Last evaluated: 2025-04-10. Review status: criteria provided, single submitter. Criteria: Invitae Variant Classification Sherloc (09022015). Collection method: clinical testing. Allele origin: germline.

Blueprint Genetics
Classification: Likely benign. Last evaluated: 2024-11-21. Review status: criteria provided, single submitter. Criteria: ACMG Guidelines, 2015. Collection method: clinical testing. Allele origin: germline.

NM_001206999.2(CIT):c.804G>A (p.Val268=)

Gene: CIT (citron rho-interacting serine/threonine kinase; minus strand). Cytogenetic location: 12q24.23.
Variant type: single nucleotide variant.
Coding change: c.804G>A on transcript NM_001206999.2 (MANE Select); coding-DNA position 804, G replaced by A.
Protein change: p.Val268=; no amino-acid change (valine 268 retained).
Molecular consequence: synonymous variant.
Genome position (GRCh38, 1-based): chr12:119,825,318, C>T on the plus strand (G>A on the coding strand, the complement: CIT is on the minus strand). VCF-style: chr12-119825318-C-T. GRCh37 (hg19) VCF-style: chr12-120263122-C-T.
Other names: c.804G>A, p.Val268= (NM_007174.3).
Identifiers: ClinVar variation 743132 (VCV000743132.30), dbSNP rs137928558, ClinGen allele CA6822281.